The following is an entry in ClinVar:

NM_002235.5(KCNA6):c.727A>G (p.Met243Val)

Genes: KCNA6 (potassium voltage-gated channel subfamily A member 6; plus strand), KCNA6-AS1 (KCNA6 antisense RNA 1; minus strand). Cytogenetic location: 12p13.32.
Variant type: single nucleotide variant.
Coding change: c.727A>G on transcript NM_002235.5 (MANE Select); coding-DNA position 727, A replaced by G.
Protein change: p.Met243Val; replaces methionine 243 with valine.
Molecular consequence: missense variant. On other transcripts: non-coding transcript variant (3).
Genome position (GRCh38, 1-based): chr12:4,810,768, A>G. VCF-style: chr12-4810768-A-G. GRCh37 (hg19) VCF-style: chr12-4919934-A-G.
Other names: short protein forms M243V.
Identifiers: ClinVar variation 3363969 (VCV003363969.1).

ClinVar aggregate classification (germline): Uncertain significance (1 of 4 stars; one submission).

gnomAD v4.1: 1 of 1,599,208 alleles (0.000063%); highest among the groups gnomAD compares: South Asian, 0.0011%; no homozygotes.

Submission:

GeneDx
Classification: Uncertain significance. Last evaluated: 2023-11-06. Review status: criteria provided, single submitter. Criteria: GeneDx Variant Classification Process June 2021. Collection method: clinical testing. Allele origin: germline. Affected: yes.
Comment: Not observed at significant frequency in large population cohorts (gnomAD); In silico analysis supports that this missense variant does not alter protein structure/function; Has not been previously published as pathogenic or benign to our knowledge